The following is an entry in ClinVar:

NM_000719.7(CACNA1C):c.5550G>A (p.Glu1850=)

Genes: CACNA1C (calcium voltage-gated channel subunit alpha1 C; plus strand), CACNA1C-AS1 (CACNA1C antisense RNA 1; minus strand). Cytogenetic location: 12p13.33.
Variant type: single nucleotide variant.
Coding change: c.5550G>A on transcript NM_000719.7 (MANE Select); coding-DNA position 5550, G replaced by A.
Protein change: p.Glu1850=; no amino-acid change (glutamic acid 1850 retained).
Molecular consequence: synonymous variant.
Genome position (GRCh38, 1-based): chr12:2,682,655, G>A. VCF-style: chr12-2682655-G-A. GRCh37 (hg19) VCF-style: chr12-2791821-G-A.
Other names: c.5694G>A, p.Glu1898= (NM_001129827.2); c.5673G>A, p.Glu1891= (NM_001129829.2); c.5655G>A, p.Glu1885= (NM_001129830.3, NM_001167624.3); c.5634G>A, p.Glu1878= (NM_001129831.2); c.5610G>A, p.Glu1870= (NM_001129832.2); c.5607G>A, p.Glu1869= (NM_001129833.2, NM_001129834.2, NM_001129835.2); c.5601G>A, p.Glu1867= (NM_001129836.2); c.5574G>A, p.Glu1858= (NM_001129837.2, NM_001129838.2); and 6 more.
Identifiers: ClinVar variation 379048 (VCV000379048.37), dbSNP rs367783859, ClinGen allele CA6389884.
Genomic context (GRCh38, chr12:2,682,655, plus strand): 5'-GACGTCTCAGGATGAGACCTATGAAGTGAAGATGAACCATGACACGGAGGCCTGCAGTGA[G>A]CCCAGCCTGCTCTCCACAGAGATGTGAGCTCTGCTGCCCTCTGCTGAGGCTGACCCAAGT-3'
Protein context (NP_000710.5, residues 1840-1860): KMNHDTEACS[Glu1850=]PSLLSTEMLS

ClinVar aggregate classification (germline): Likely benign. Review status: criteria provided, multiple submitters, no conflicts (2 of 4 stars). 8 submissions from 8 submitters: Likely benign (5). 3 of the submissions do not count toward it. Last evaluated 2026-01-28.

Conditions:
CACNA1C-related disorder. Also called: CACNA1C-related condition; CACNA1C-related disorders. Identifiers: MedGen CN381092, MONDO:0700321.
Cardiovascular phenotype. Identifiers: MedGen CN230736.
Long QT syndrome (LQTS). Identifiers: MedGen C0023976, MeSH D008133, MONDO:0002442. Disease mechanism: loss of function. Inheritance: Various modes of inheritance.

Allele frequency attached by ClinVar (database versions not stated): ExAC 0.00003; gnomAD exomes 0.00006 and 0.00013; TOPMed 0.00007; ESP Exome Variant Server 0.00008; gnomAD 0.00009.
gnomAD v4.1: 205 of 1,611,404 alleles (0.013%); highest among the groups gnomAD compares: Non-Finnish European, 0.017%; no homozygotes.

Submissions (8):

Labcorp Genetics (formerly Invitae), Labcorp
Classification: Likely benign for Long QT syndrome. Last evaluated: 2026-01-28. Review status: criteria provided, single submitter. Criteria: Invitae Variant Classification Sherloc (09022015). Collection method: clinical testing. Allele origin: germline.

CeGaT Center for Human Genetics Tuebingen
Classification: Likely benign. Last evaluated: 2024-07-01. Review status: criteria provided, single submitter. Criteria: CeGaT Center For Human Genetics Tuebingen Variant Classification Criteria Version 2. Collection method: clinical testing. Allele origin: germline. Affected: yes. Observed: 1 variant allele.
Comment: CACNA1C: BP4

Blueprint Genetics
Classification: Likely benign. Last evaluated: 2024-06-27. Review status: criteria provided, single submitter. Criteria: ACMG Guidelines, 2015. Collection method: clinical testing. Allele origin: germline.

Ambry Genetics
Classification: Likely benign for Cardiovascular phenotype. Last evaluated: 2018-09-13. Review status: criteria provided, single submitter. Criteria: Ambry Variant Classification Scheme 2023. Collection method: clinical testing. Allele origin: germline.

GeneDx
Classification: Likely benign. Last evaluated: 2016-02-22. Review status: criteria provided, single submitter. Criteria: GeneDx Variant Classification (06012015). Collection method: clinical testing. Allele origin: germline. Affected: yes.
Comment: This variant is considered likely benign or benign based on one or more of the following criteria: it is a conservative change, it occurs at a poorly conserved position in the protein, it is predicted to be benign by multiple in silico algorithms, and/or has population frequency not consistent with disease.

PreventionGenetics, part of Exact Sciences
Classification: Likely benign for CACNA1C-related condition. Last evaluated: 2019-02-28. Review status: no assertion criteria provided. Collection method: clinical testing. Allele origin: germline. Not counted in ClinVar's aggregate classification.
Comment: This variant is classified as likely benign based on ACMG/AMP sequence variant interpretation guidelines (Richards et al. 2015 PMID: 25741868, with internal and published modifications).

Clinical Genetics, Academic Medical Center
Classification: Benign. Review status: no assertion criteria provided. Collection method: clinical testing. Allele origin: germline. Affected: yes. Study: VKGL Data-share Consensus. Not counted in ClinVar's aggregate classification.

Joint Genome Diagnostic Labs from Nijmegen and Maastricht, Radboudumc and MUMC+
Classification: Likely benign. Review status: no assertion criteria provided. Collection method: clinical testing. Allele origin: germline. Affected: yes. Study: VKGL Data-share Consensus. Not counted in ClinVar's aggregate classification.